The following is an entry in ClinVar:

ClinVar aggregate classification (germline): Uncertain significance. Review status: criteria provided, multiple submitters, no conflicts (2 of 4 stars). 3 submissions from 3 submitters: Uncertain significance (3). Last evaluated 2025-12-26.

Conditions:
MYH6-related disorder. Also called: MYH6-Related Disorders; MYH6-related condition.
Cardiovascular phenotype. Identifiers: MedGen CN230736.
Hypertrophic cardiomyopathy 14. Identifiers: MedGen C2750467, MONDO:0013197, OMIM 613251.

Allele frequency attached by ClinVar (database versions not stated): ExAC 0.00001; TOPMed 0.00003; gnomAD exomes 0.00004; gnomAD 0.00005.
gnomAD v4.1: 110 of 1,613,948 alleles (0.0068%); highest among the groups gnomAD compares: Non-Finnish European, 0.0088%; no homozygotes.

Submissions (3):

PreventionGenetics, part of Exact Sciences
Classification: Uncertain significance for MYH6-related condition. Last evaluated: 2025-12-26. Review status: criteria provided, single submitter. Criteria: ACMG Guidelines, 2015. Collection method: clinical testing. Allele origin: germline.
Comment: The MYH6 c.2354G>A variant is predicted to result in the amino acid substitution p.Arg785His. To our knowledge, this variant has not been reported in the literature. This variant is reported in 0.0078% of alleles in individuals of European (Non-Finnish) descent in gnomAD. At this time, the clinical significance of this variant is uncertain due to the absence of conclusive functional and genetic evidence.

Labcorp Genetics (formerly Invitae), Labcorp
Classification: Uncertain significance for Hypertrophic cardiomyopathy 14. Last evaluated: 2025-03-19. Review status: criteria provided, single submitter. Criteria: Invitae Variant Classification Sherloc (09022015). Collection method: clinical testing. Allele origin: germline.
Comment: This sequence change replaces arginine, which is basic and polar, with histidine, which is basic and polar, at codon 785 of the MYH6 protein (p.Arg785His). This variant is present in population databases (rs769341738, gnomAD 0.007%). This variant has not been reported in the literature in individuals affected with MYH6-related conditions. ClinVar contains an entry for this variant (Variation ID: 407156). Invitae Evidence Modeling of protein sequence and biophysical properties (such as structural, functional, and spatial information, amino acid conservation, physicochemical variation, residue mobility, and thermodynamic stability) indicates that this missense variant is expected to disrupt MYH6 protein function with a positive predictive value of 80%. In summary, the available evidence is currently insufficient to determine the role of this variant in disease. Therefore, it has been classified as a Variant of Uncertain Significance.

Ambry Genetics
Classification: Uncertain significance for Cardiovascular phenotype. Last evaluated: 2024-05-05. Review status: criteria provided, single submitter. Criteria: Ambry Variant Classification Scheme 2023. Collection method: clinical testing. Allele origin: germline.
Comment: The p.R785H variant (also known as c.2354G>A), located in coding exon 18 of the MYH6 gene, results from a G to A substitution at nucleotide position 2354. The arginine at codon 785 is replaced by histidine, an amino acid with highly similar properties. This amino acid position is not well conserved in available vertebrate species, and histidine is the reference amino acid in other vertebrate species. In addition, this alteration is predicted to be tolerated by in silico analysis. Since supporting evidence is limited at this time, the clinical significance of this alteration remains unclear.

NM_002471.4(MYH6):c.2354G>A (p.Arg785His)

Gene: MYH6 (myosin heavy chain 6; minus strand). Cytogenetic location: 14q11.2.
Variant type: single nucleotide variant.
Coding change: c.2354G>A on transcript NM_002471.4 (MANE Select); coding-DNA position 2354, G replaced by A.
Protein change: p.Arg785His; replaces arginine 785 with histidine.
Molecular consequence: missense variant.
Genome position (GRCh38, 1-based): chr14:23,396,359, C>T on the plus strand (G>A on the coding strand, the complement: MYH6 is on the minus strand). VCF-style: chr14-23396359-C-T. GRCh37 (hg19) VCF-style: chr14-23865568-C-T.
Other names: short protein forms R785H.
Identifiers: ClinVar variation 407156 (VCV000407156.14), dbSNP rs769341738, ClinGen allele CA7115494.